The following is an entry in ClinVar:

NM_001371986.1(UNC80):c.2899G>T (p.Val967Leu)

Gene: UNC80 (unc-80 homolog, NALCN channel complex subunit; plus strand). Cytogenetic location: 2q34.
Variant type: single nucleotide variant.
Coding change: c.2899G>T on transcript NM_001371986.1 (MANE Select); coding-DNA position 2899, G replaced by T.
Protein change: p.Val967Leu; replaces valine 967 with leucine.
Molecular consequence: missense variant.
Genome position (GRCh38, 1-based): chr2:209,834,125, G>T. VCF-style: chr2-209834125-G-T. GRCh37 (hg19) VCF-style: chr2-210698849-G-T.
Other names: c.2884G>T, p.Val962Leu (NM_182587.4); c.2899G>T, p.Val967Leu (NM_032504.2); short protein forms V967L, V962L.
Identifiers: ClinVar variation 1498819 (VCV001498819.5), dbSNP rs900681798, ClinGen allele CA64680607.
Genomic context (GRCh38, chr2:209,834,125, plus strand): 5'-AGGAGAGTGGCCCTCAGCGCTCTGCTTGACAGTGCCGAGAAGTTAGCACCAGGGAAAAAG[G>T]TGGAGGAGAATGAACAGGAATCTAAGCCTGCAGGCAGTAAAAGGTTGGAAGCTTGAACTC-3'
Protein context (NP_001358915.1, residues 957-977): SAEKLAPGKK[Val967Leu]EENEQESKPA

ClinVar aggregate classification (germline): Uncertain significance (1 of 4 stars; one submission).

Allele frequency attached by ClinVar (database versions not stated): gnomAD exomes 0.00003; TOPMed 0.00008; gnomAD 0.00007.

Submission:

Labcorp Genetics (formerly Invitae), Labcorp
Classification: Uncertain significance. Last evaluated: 2022-08-09. Review status: criteria provided, single submitter. Criteria: Invitae Variant Classification Sherloc (09022015). Collection method: clinical testing. Allele origin: germline.
Comment: This sequence change replaces valine, which is neutral and non-polar, with leucine, which is neutral and non-polar, at codon 967 of the UNC80 protein (p.Val967Leu). This variant is present in population databases (no rsID available, gnomAD 0.05%). This variant has not been reported in the literature in individuals affected with UNC80-related conditions. ClinVar contains an entry for this variant (Variation ID: 1498819). Algorithms developed to predict the effect of missense changes on protein structure and function output the following: SIFT: "Not Available"; PolyPhen-2: "Benign"; Align-GVGD: "Not Available". The leucine amino acid residue is found in multiple mammalian species, which suggests that this missense change does not adversely affect protein function. In summary, the available evidence is currently insufficient to determine the role of this variant in disease. Therefore, it has been classified as a Variant of Uncertain Significance.